The following is an entry in ClinVar:

NM_000548.5(TSC2):c.3284+7G>T

Gene: TSC2 (TSC complex subunit 2; plus strand). Cytogenetic location: 16p13.3.
Variant type: single nucleotide variant.
Coding change: c.3284+7G>T on transcript NM_000548.5 (MANE Select); 7 bases into the intron after coding-DNA position 3284, G replaced by T.
Molecular consequence: intron variant.
Genome position (GRCh38, 1-based): chr16:2,079,435, G>T. VCF-style: chr16-2079435-G-T. GRCh37 (hg19) VCF-style: chr16-2129436-G-T.
Other names: c.3284+7G>T (NM_001114382.3); c.3155+7G>T (NM_021055.3, NM_001370405.1, NM_001363528.2); c.3152+7G>T (NM_001370404.1, NM_001077183.3); c.3044+7G>T (NM_001318827.2); c.2552+7G>T (NM_001318831.2); c.3008+7G>T (NM_001318829.2); c.3185+7G>T (NM_001318832.2).
Identifiers: ClinVar variation 755373 (VCV000755373.13), dbSNP rs1179505582, ClinGen allele CA620704892.

ClinVar aggregate classification (germline): Likely benign. Review status: criteria provided, multiple submitters, no conflicts (2 of 4 stars). 3 submissions from 3 submitters: Likely benign (3). Last evaluated 2025-05-28.

Conditions:
Tuberous sclerosis 2 (TSC2). Identifiers: Orphanet 805, MedGen C1860707, MONDO:0013199, OMIM 613254.

Allele frequency attached by ClinVar (database versions not stated): gnomAD exomes below 0.00001.

Submissions (3):

Myriad Genetics, Inc.
Classification: Likely benign for Tuberous sclerosis 2. Last evaluated: 2025-05-28. Review status: criteria provided, single submitter. Criteria: Myriad Autosomal Dominant, Autosomal Recessive and X-Linked Classification Criteria (2023). Collection method: clinical testing. Allele origin: unknown.
Comment: This variant is considered likely benign. This variant is intronic and is not expected to impact mRNA splicing.

Women's Health and Genetics/Laboratory Corporation of America, LabCorp
Classification: Likely benign. Last evaluated: 2025-04-29. Review status: criteria provided, single submitter. Criteria: LabCorp Variant Classification Summary - May 2015. Collection method: clinical testing. Allele origin: germline.

Labcorp Genetics (formerly Invitae), Labcorp
Classification: Likely benign for Tuberous sclerosis 2. Last evaluated: 2024-08-22. Review status: criteria provided, single submitter. Criteria: Invitae Variant Classification Sherloc (09022015). Collection method: clinical testing. Allele origin: germline.